The following is an entry in ClinVar:

ClinVar aggregate classification (germline): Uncertain significance (1 of 4 stars; one submission).

Submission:

Ambry Genetics
Classification: Uncertain significance. Last evaluated: 2021-07-05. Review status: criteria provided, single submitter. Criteria: Ambry Variant Classification Scheme 2023. Collection method: clinical testing. Allele origin: germline.
Comment: The p.P646R variant (also known as c.1937C>G), located in coding exon 9 of the PALLD gene, results from a C to G substitution at nucleotide position 1937. The proline at codon 646 is replaced by arginine, an amino acid with dissimilar properties. This amino acid position is conserved. In addition, the in silico prediction for this alteration is inconclusive. Since supporting evidence is limited at this time, the clinical significance of this alteration remains unclear.

NM_001166108.2(PALLD):c.1937C>G (p.Pro646Arg)

Gene: PALLD (palladin, cytoskeletal associated protein; plus strand). Cytogenetic location: 4q32.3.
Variant type: single nucleotide variant.
Coding change: c.1937C>G on transcript NM_001166108.2 (MANE Select); coding-DNA position 1937, C replaced by G.
Protein change: p.Pro646Arg; replaces proline 646 with arginine.
Molecular consequence: missense variant.
Genome position (GRCh38, 1-based): chr4:168,711,896, C>G. VCF-style: chr4-168711896-C-G. GRCh37 (hg19) VCF-style: chr4-169633047-C-G.
Other names: c.791C>G, p.Pro264Arg (NM_001166109.2); c.1937C>G, p.Pro646Arg (NM_016081.4); short protein forms P264R, P646R.
Identifiers: ClinVar variation 1782981 (VCV001782981.2), dbSNP rs2531857690, ClinGen allele CA358798839.
Genomic context (GRCh38, chr4:168,711,896, plus strand): 5'-AAGCTAACAGTAATAAATCTCTTCCAACACCAGCTGTCCTGCTTTCACCCACTAAGGAGC[C>G]ACCACCTCTGCTTGCCAAACCAAAACTGTGAGTATTTCTGCATGGTTTTATAATAATTTC-3'
Protein context (NP_001159580.1, residues 636-656): PAVLLSPTKE[Pro646Arg]PPLLAKPKLG